The following is an entry in ClinVar:

ClinVar aggregate classification (germline): Pathogenic (1 of 4 stars; one submission).

Conditions:
Tuberous sclerosis 2 (TSC2). Identifiers: Orphanet 805, MedGen C1860707, MONDO:0013199, OMIM 613254.

Submission:

Labcorp Genetics (formerly Invitae), Labcorp
Classification: Pathogenic for Tuberous sclerosis 2. Last evaluated: 2022-01-03. Review status: criteria provided, single submitter. Criteria: Invitae Variant Classification Sherloc (09022015). Collection method: clinical testing. Allele origin: germline.
Comment: For these reasons, this variant has been classified as Pathogenic. This variant has not been reported in the literature in individuals affected with TSC2-related conditions. This variant is not present in population databases (gnomAD no frequency). This sequence change creates a premature translational stop signal (p.Ser1045Argfs*124) in the TSC2 gene. It is expected to result in an absent or disrupted protein product. Loss-of-function variants in TSC2 are known to be pathogenic (PMID: 10205261, 17304050).

Literature cited by the submitters: PubMed 10205261; PubMed 17304050.

NM_000548.5(TSC2):c.3132_3133insAGAC (p.Ser1045fs)

Gene: TSC2 (TSC complex subunit 2; plus strand). Cytogenetic location: 16p13.3.
Variant type: Insertion.
Coding change: c.3132_3133insAGAC on transcript NM_000548.5 (MANE Select); coding-DNA positions 3132 to 3133, AGAC inserted.
Protein change: p.Ser1045fs; shifts the reading frame from serine 1045.
Molecular consequence: frameshift variant.
Genome position: GRCh38 VCF-style: chr16-2079276-G-GAGAC. GRCh37 (hg19) VCF-style: chr16-2129277-G-GAGAC.
Other names: c.3000_3001insAGAC, p.Ser1001fs (NM_001077183.3, NM_001370404.1); c.3132_3133insAGAC, p.Ser1045fs (NM_001114382.3); c.2892_2893insAGAC, p.Ser965fs (NM_001318827.2); c.2856_2857insAGAC, p.Ser953fs (NM_001318829.2); c.2400_2401insAGAC, p.Ser801fs (NM_001318831.2); c.3033_3034insAGAC, p.Ser1012fs (NM_001318832.2); c.3003_3004insAGAC, p.Ser1002fs (NM_001363528.2, NM_001370405.1, NM_021055.3); c.3129_3130insAGAC, p.Ser1044Argfs (NM_001406663.1, NM_001406664.1); and 20 more; short protein forms S1012fs, S801fs, S953fs, S965fs, S1002fs, S1045fs, S1001fs.
Identifiers: ClinVar variation 2056853 (VCV002056853.4), dbSNP rs2544043696, ClinGen allele CA2580090926.